The following is an entry in ClinVar:

ClinVar aggregate classification (germline): Uncertain significance (1 of 4 stars; one submission).

gnomAD v4.1: 1 of 934,112 alleles (0.00011%); highest among the groups gnomAD compares: Non-Finnish European, 0.00018%; no homozygotes.

Submission:

CeGaT Center for Human Genetics Tuebingen
Classification: Uncertain significance. Last evaluated: 2026-09-01. Review status: criteria provided, single submitter. Criteria: CeGaT Center For Human Genetics Tuebingen Variant Classification Criteria Version 2. Collection method: clinical testing. Allele origin: germline. Affected: yes. Observed: 1 variant allele.
Comment: CRELD1: PM2, PM3, BP4

NM_001077415.3(CRELD1):c.1049-353A>G

Gene: CRELD1 (CRELD disulfide isomerase 1; plus strand). Cytogenetic location: 3p25.3.
Variant type: single nucleotide variant.
Coding change: c.1049-353A>G on transcript NM_001077415.3 (MANE Select); 353 bases into the intron before coding-DNA position 1049, A replaced by G.
Molecular consequence: intron variant. On other transcripts: missense variant (3), 3 prime UTR variant (1).
Genome position (GRCh38, 1-based): chr3:9,944,012, A>G. VCF-style: chr3-9944012-A-G. GRCh37 (hg19) VCF-style: chr3-9985696-A-G.
Other names: c.1159A>G, p.Thr387Ala (NM_001031717.4); c.1171A>G, p.Thr391Ala (NM_001374317.1, NM_001374318.1); c.*261A>G (NM_001410713.1); c.965-353A>G (NM_001374319.1, NM_001374320.1); c.1049-353A>G (NM_001374316.1, NM_015513.6); short protein forms T387A, T391A.
Identifiers: ClinVar variation 5041111 (VCV005041111.1).